The following is an entry in ClinVar:

NM_001201550.3(CFHR4):c.159C>T (p.Ser53=)

Gene: CFHR4 (complement factor H related 4; plus strand). Cytogenetic location: 1q31.3.
Variant type: single nucleotide variant.
Coding change: c.159C>T on transcript NM_001201550.3 (MANE Select); coding-DNA position 159, C replaced by T.
Protein change: p.Ser53=; no amino-acid change (serine 53 retained).
Molecular consequence: synonymous variant.
Genome position (GRCh38, 1-based): chr1:196,902,518, C>T. VCF-style: chr1-196902518-C-T. GRCh37 (hg19) VCF-style: chr1-196871648-C-T.
Other names: p.Ser52=; c.156C>T, p.Ser52= (NM_001201551.2); c.159C>T, p.Ser53= (NM_006684.5).
Identifiers: ClinVar variation 1336293 (VCV001336293.7), dbSNP rs78951215, ClinGen allele CA1306746.
Genomic context (GRCh38, chr1:196,902,518, plus strand): 5'-TCTATATTATAAGAGTTTGCGTAGACTATACTTTCCAGCAGCTGCAGGACAATCTTATTC[C>T]TATTACTGTGATCAAAATTTTGTGACTCCTTCAGGAAGTTACTGGGATTACATTCATTGC-3'
Protein context (NP_001188479.1, residues 43-63): YFPAAAGQSY[Ser53=]YYCDQNFVTP

ClinVar aggregate classification (germline): Benign/Likely benign. Review status: criteria provided, multiple submitters, no conflicts (2 of 4 stars). 4 submissions from 4 submitters: Benign (2); Likely benign (2). Last evaluated 2026-01-22.

Allele frequency attached by ClinVar (database versions not stated): gnomAD exomes 0.00162; ExAC 0.00204; 1000 Genomes Project 0.00619; 1000 Genomes Project 30x 0.00687; gnomAD 0.00691 and 0.00745; ESP Exome Variant Server 0.00720; TOPMed 0.00740.
gnomAD v4.1: 2,023 of 1,611,046 alleles (0.13%); highest among the groups gnomAD compares: African/African-American, 2.5%; 87 homozygotes.

Submissions (4):

Women's Health and Genetics/Laboratory Corporation of America, LabCorp
Classification: Benign. Last evaluated: 2026-01-22. Review status: criteria provided, single submitter. Criteria: LabCorp Variant Classification Summary - May 2015. Collection method: clinical testing. Allele origin: germline.

Mayo Clinic Laboratories, Mayo Clinic
Classification: Likely benign. Last evaluated: 2024-12-26. Review status: criteria provided, single submitter. Criteria: ACMG Guidelines, 2015. Collection method: clinical testing. Allele origin: germline. Observed: 33 variant alleles.
Comment: BS1, BP4, BP7

Genetic Services Laboratory, University of Chicago
Classification: Benign. Last evaluated: 2019-05-14. Review status: criteria provided, single submitter. Criteria: ACMG Guidelines, 2015. Collection method: clinical testing. Allele origin: germline. Affected: no.

Breakthrough Genomics
Classification: Likely benign. Review status: criteria provided, single submitter. Criteria: ACMG Guidelines, 2015. Collection method: not provided. Allele origin: germline. Inheritance: Unknown mechanism. Affected: yes.